The following is an entry in ClinVar:

NM_020822.3(KCNT1):c.3587+3G>A

Gene: KCNT1 (potassium sodium-activated channel subfamily T member 1; plus strand). Cytogenetic location: 9q34.3.
Variant type: single nucleotide variant.
Coding change: c.3587+3G>A on transcript NM_020822.3 (MANE Select); 3 bases into the intron after coding-DNA position 3587, G replaced by A.
Molecular consequence: intron variant.
Genome position (GRCh38, 1-based): chr9:135,791,884, G>A. VCF-style: chr9-135791884-G-A. GRCh37 (hg19) VCF-style: chr9-138683730-G-A.
Other names: c.3515+3G>A (NM_001272003.2).
Identifiers: ClinVar variation 669742 (VCV000669742.1), dbSNP rs1588422718, ClinGen allele CA915947363.

ClinVar aggregate classification (germline): Likely benign (1 of 4 stars; one submission).

Allele frequency attached by ClinVar (database versions not stated): gnomAD exomes below 0.00001.
gnomAD v4.1: 1 of 1,613,678 alleles (0.000062%); highest among the groups gnomAD compares: Non-Finnish European, 0.000085%; no homozygotes.

Submission:

GeneDx
Classification: Likely benign. Last evaluated: 2018-06-12. Review status: criteria provided, single submitter. Criteria: GeneDx Variant Classification (06012015). Collection method: clinical testing. Allele origin: germline. Affected: yes.
Comment: This variant is considered likely benign or benign based on one or more of the following criteria: it is a conservative change, it occurs at a poorly conserved position in the protein, it is predicted to be benign by multiple in silico algorithms, and/or has population frequency not consistent with disease.